The following is an entry in ClinVar:

ClinVar aggregate classification (germline): Likely pathogenic (1 of 4 stars; one submission).

Conditions:
Early-infantile DEE. Also called: Ohtahara syndrome; Early infantile epileptic encephalopathy with suppression bursts; Early infantile epileptic encephalopathy. Identifiers: Orphanet 1934, MedGen C0393706, MONDO:0800491.

Allele frequency attached by ClinVar (database versions not stated): gnomAD exomes below 0.00001; ExAC 0.00001.
gnomAD v4.1: 2 of 1,613,934 alleles (0.00012%); highest among the groups gnomAD compares: Admixed American, 0.0017%; no homozygotes.

Submission:

Labcorp Genetics (formerly Invitae), Labcorp
Classification: Likely pathogenic for Early-infantile DEE. Last evaluated: 2024-07-22. Review status: criteria provided, single submitter. Criteria: Invitae Variant Classification Sherloc (09022015). Collection method: clinical testing. Allele origin: germline.
Comment: This sequence change replaces alanine, which is neutral and non-polar, with threonine, which is neutral and polar, at codon 1819 of the SCN1A protein (p.Ala1819Thr). This variant is present in population databases (rs775570109, gnomAD 0.003%). This missense change has been observed in individual(s) with SCN1A-related conditions (Invitae). It has also been observed to segregate with disease in related individuals. Advanced modeling of protein sequence and biophysical properties (such as structural, functional, and spatial information, amino acid conservation, physicochemical variation, residue mobility, and thermodynamic stability) performed at Invitae indicates that this missense variant is expected to disrupt SCN1A protein function with a positive predictive value of 95%. This variant disrupts the p.Ala1819 amino acid residue in SCN1A. Other variant(s) that disrupt this residue have been observed in individuals with SCN1A-related conditions (PMID: 28202706), which suggests that this may be a clinically significant amino acid residue. In summary, the currently available evidence indicates that the variant is pathogenic, but additional data are needed to prove that conclusively. Therefore, this variant has been classified as Likely Pathogenic.

Literature cited by the submitters: PubMed 28202706.

NM_001165963.4(SCN1A):c.5455G>A (p.Ala1819Thr)

Genes: SCN1A (sodium voltage-gated channel alpha subunit 1; minus strand), LOC102724058 (uncharacterized LOC102724058; plus strand). Cytogenetic location: 2q24.3.
Variant type: single nucleotide variant.
Coding change: c.5455G>A on transcript NM_001165963.4 (MANE Select); coding-DNA position 5455, G replaced by A.
Protein change: p.Ala1819Thr; replaces alanine 1819 with threonine.
Molecular consequence: missense variant. On other transcripts: non-coding transcript variant (1).
Genome position (GRCh38, 1-based): chr2:165,991,820, C>T on the plus strand (G>A on the coding strand, the complement: SCN1A is on the minus strand). VCF-style: chr2-165991820-C-T. GRCh37 (hg19) VCF-style: chr2-166848330-C-T.
Other names: c.5371G>A, p.Ala1791Thr (NM_001165964.3, NM_001353957.2, NM_001353958.2); c.5455G>A, p.Ala1819Thr (NM_001202435.3, NM_001353948.2); c.5422G>A, p.Ala1808Thr (NM_001353949.2, NM_001353950.2, NM_001353951.2 and 2 more transcripts); c.5419G>A, p.Ala1807Thr (NM_001353954.2, NM_001353955.2); c.5368G>A, p.Ala1790Thr (NM_001353960.2); c.3013G>A, p.Ala1005Thr (NM_001353961.2); short protein forms A1791T, A1819T, A1790T, A1807T, A1808T, A1005T.
Identifiers: ClinVar variation 2863180 (VCV002863180.3), dbSNP rs775570109, ClinGen allele CA1942675.
Genomic context (GRCh38, chr2:165,991,820, plus strand): 5'-GAGGCGGTTCAAGCGCAGCTGCAAACTGAGATAATTTTTCAAATTCCATGAACTGAGTTG[C>T]ATCGGGATCAAACTTCTCCCAAACCTCATAGAACATCTCAAAGTCATCCTCACTCAGAGG-3'
Protein context (NP_001159435.1, residues 1809-1829): YEVWEKFDPD[Ala1819Thr]TQFMEFEKLS